The following is an entry in ClinVar:

NM_002796.3(PSMB4):c.430C>T (p.Arg144Trp)

Gene: PSMB4 (proteasome 20S subunit beta 4; plus strand). Cytogenetic location: 1q21.3.
Variant type: single nucleotide variant.
Coding change: c.430C>T on transcript NM_002796.3 (MANE Select); coding-DNA position 430, C replaced by T.
Protein change: p.Arg144Trp; replaces arginine 144 with tryptophan.
Molecular consequence: missense variant.
Genome position (GRCh38, 1-based): chr1:151,400,524, C>T. VCF-style: chr1-151400524-C-T. GRCh37 (hg19) VCF-style: chr1-151373000-C-T.
Other names: short protein forms R144W.
Identifiers: ClinVar variation 2966446 (VCV002966446.3), dbSNP rs367717074, ClinGen allele CA29563593.
Genomic context (GRCh38, chr1:151,400,524, plus strand): 5'-GATGGACACAGCTATAGTCCTAGAGCTATTCATTCATGGCTGACCAGGGCCATGTACAGC[C>T]GGCGCTCGAAGATGAACCCTTTGTGGAACACCATGGTCATCGGAGGCTATGCTGATGGAG-3'
Protein context (NP_002787.2, residues 134-154): HSWLTRAMYS[Arg144Trp]RSKMNPLWNT

ClinVar aggregate classification (germline): Uncertain significance (1 of 4 stars; one submission).

Allele frequency attached by ClinVar (database versions not stated): TOPMed 0.00002; gnomAD 0.00001; ESP Exome Variant Server 0.00008; gnomAD exomes 0.00001.

Submission:

Labcorp Genetics (formerly Invitae), Labcorp
Classification: Uncertain significance. Last evaluated: 2025-10-23. Review status: criteria provided, single submitter. Criteria: Invitae Variant Classification Sherloc (09022015). Collection method: clinical testing. Allele origin: germline.
Comment: This sequence change replaces arginine, which is basic and polar, with tryptophan, which is neutral and slightly polar, at codon 144 of the PSMB4 protein (p.Arg144Trp). This variant is not present in population databases (gnomAD no frequency). This variant has not been reported in the literature in individuals affected with PSMB4-related conditions. ClinVar contains an entry for this variant (Variation ID: 2966446). An algorithm developed to predict the effect of missense changes on protein structure and function (PolyPhen-2) suggests that this variant is likely to be disruptive. In summary, the available evidence is currently insufficient to determine the role of this variant in disease. Therefore, it has been classified as a Variant of Uncertain Significance.